The following is an entry in ClinVar:

NM_001734.5(C1S):c.1836dup (p.Thr613fs)

Gene: C1S (complement C1s; plus strand). Cytogenetic location: 12p13.31.
Variant type: Duplication.
Coding change: c.1836dup on transcript NM_001734.5 (MANE Select); coding-DNA position 1836, one base duplicated (C; older notation c.1836dupC).
Protein change: p.Thr613fs; shifts the reading frame from threonine 613.
Molecular consequence: frameshift variant.
Genome position (GRCh38, 1-based): chr12:7,070,420, C duplicated. VCF-style (leftmost placement, unchanged base first): chr12-7070419-T-TC. GRCh37 (hg19) VCF-style: chr12-7177723-T-TC.
Other names: c.1335dup, p.Thr446fs (NM_001346850.2); c.1836dup, p.Thr613fs (NM_201442.4); short protein forms T613fs, T446fs.
Identifiers: ClinVar variation 3663576 (VCV003663576.2).

ClinVar aggregate classification (germline): Uncertain significance (1 of 4 stars; one submission).

Submission:

Labcorp Genetics (formerly Invitae), Labcorp
Classification: Uncertain significance. Last evaluated: 2024-08-27. Review status: criteria provided, single submitter. Criteria: Invitae Variant Classification Sherloc (09022015). Collection method: clinical testing. Allele origin: germline.
Comment: This sequence change creates a premature translational stop signal (p.Thr613Hisfs*3) in the C1S gene. While this is not anticipated to result in nonsense mediated decay, it is expected to disrupt the last 76 amino acid(s) of the C1S protein. This variant is not present in population databases (gnomAD no frequency). This variant has not been reported in the literature in individuals affected with C1S-related conditions. In summary, the available evidence is currently insufficient to determine the role of this variant in disease. Therefore, it has been classified as a Variant of Uncertain Significance.